The following is an entry in ClinVar:

ClinVar aggregate classification (germline): Conflicting classifications of pathogenicity. Review status: criteria provided, conflicting classifications (1 of 4 stars). 4 submissions from 4 submitters: Likely pathogenic (2); Uncertain significance (2). Last evaluated 2025-06-15.

Conditions:
Heterotopia, periventricular, X-linked dominant (PVNH1). Also called: PERIVENTRICULAR NODULAR HETEROTOPIA 4; HETEROTOPIA, PERIVENTRICULAR, 1; PERIVENTRICULAR NODULAR HETEROTOPIA 1; X-linked periventricular heterotopia. Identifiers: Orphanet 2149, Orphanet 82004, MedGen C1848213, MONDO:0010233, OMIM 300049.
Oto-palato-digital syndrome, type II (OPD2). Also called: FACIOPALATOOSSEOUS SYNDROME; Otopalatodigital Syndrome Type 2 (FLNA-OPD2); OPD II SYNDROME; Otopalatodigital Syndrome, Type II. Identifiers: Orphanet 669, Orphanet 90652, MedGen C1844696, MONDO:0010571, OMIM 304120.
Frontometaphyseal dysplasia (FMD1). Identifiers: Orphanet 1826, MedGen C0265293, MONDO:0015942.
Melnick-Needles syndrome (MNS). Also called: Melnick-Needles Syndrome (FLNA-MNS); MELNICK-NEEDLES OSTEODYSPLASTY; OSTEODYSPLASTY OF MELNICK AND NEEDLES. Identifiers: Orphanet 2484, MedGen C0025237, MONDO:0010650, OMIM 309350.

Submissions (4):

Labcorp Genetics (formerly Invitae), Labcorp
Classification: Uncertain significance for Oto-palato-digital syndrome, type II; Heterotopia, periventricular, X-linked dominant; Frontometaphyseal dysplasia; Melnick-Needles syndrome. Last evaluated: 2025-06-15. Review status: criteria provided, single submitter. Criteria: Invitae Variant Classification Sherloc (09022015). Collection method: clinical testing. Allele origin: germline.
Comment: This sequence change replaces glycine, which is neutral and non-polar, with arginine, which is basic and polar, at codon 132 of the FLNA protein (p.Gly132Arg). This variant is not present in population databases (gnomAD no frequency). This missense change has been observed in individual(s) with periventricular heterotopia (PMID: 28333917). ClinVar contains an entry for this variant (Variation ID: 426758). Invitae Evidence Modeling of protein sequence and biophysical properties (such as structural, functional, and spatial information, amino acid conservation, physicochemical variation, residue mobility, and thermodynamic stability) indicates that this missense variant is expected to disrupt FLNA protein function with a positive predictive value of 80%. In summary, the available evidence is currently insufficient to determine the role of this variant in disease. Therefore, it has been classified as a Variant of Uncertain Significance.

Mayo Clinic Laboratories, Mayo Clinic
Classification: Likely pathogenic. Last evaluated: 2025-04-01. Review status: criteria provided, single submitter. Criteria: ACMG Guidelines, 2015. Collection method: clinical testing. Allele origin: germline. Observed: 1 variant allele.
Comment: PP2, PP3_strong, PM2_supporting

Revvity Omics, Revvity
Classification: Uncertain significance. Last evaluated: 2025-03-18. Review status: criteria provided, single submitter. Criteria: ACMG Guidelines, 2015. Collection method: clinical testing. Allele origin: germline.

GeneDx
Classification: Likely pathogenic. Last evaluated: 2024-02-21. Review status: criteria provided, single submitter. Criteria: GeneDx Variant Classification Process June 2021. Collection method: clinical testing. Allele origin: germline. Affected: yes.
Comment: Not observed at significant frequency in large population cohorts (gnomAD); In silico analysis supports that this missense variant has a deleterious effect on protein structure/function; This variant is associated with the following publications: (PMID: 28333917)

Literature cited by the submitters: PubMed 28333917 (cited by Labcorp Genetics (formerly Invitae), Labcorp and Mayo Clinic Laboratories, Mayo Clinic).

NM_001110556.2(FLNA):c.394G>A (p.Gly132Arg)

Gene: FLNA (filamin A; minus strand). Cytogenetic location: Xq28.
Variant type: single nucleotide variant.
Coding change: c.394G>A on transcript NM_001110556.2 (MANE Select); coding-DNA position 394, G replaced by A.
Protein change: p.Gly132Arg; replaces glycine 132 with arginine.
Molecular consequence: missense variant.
Genome position (GRCh38, 1-based): chrX:154,368,070, C>T on the plus strand (G>A on the coding strand, the complement: FLNA is on the minus strand). VCF-style: chrX-154368070-C-T. GRCh37 (hg19) VCF-style: chrX-153596438-C-T.
Other names: p.Gly132Arg; c.394G>A, p.Gly132Arg (NM_001456.4); short protein forms G132R.
Identifiers: ClinVar variation 426758 (VCV000426758.8), dbSNP rs1085307783, ClinGen allele CA415251018.